The following is an entry in ClinVar:

NM_001077653.2(TBX20):c.1003G>A (p.Gly335Arg)

Gene: TBX20 (T-box transcription factor 20; minus strand). Cytogenetic location: 7p14.2.
Variant type: single nucleotide variant.
Coding change: c.1003G>A on transcript NM_001077653.2 (MANE Select); coding-DNA position 1003, G replaced by A.
Protein change: p.Gly335Arg; replaces glycine 335 with arginine.
Molecular consequence: missense variant.
Genome position (GRCh38, 1-based): chr7:35,204,470, C>T on the plus strand (G>A on the coding strand, the complement: TBX20 is on the minus strand). VCF-style: chr7-35204470-C-T. GRCh37 (hg19) VCF-style: chr7-35244082-C-T.
Other names: short protein forms G335R.
Identifiers: ClinVar variation 3068562 (VCV003068562.2), dbSNP rs1482677837, ClinGen allele CA367263433.

ClinVar aggregate classification (germline): Uncertain significance. Review status: criteria provided, multiple submitters, no conflicts (2 of 4 stars). 2 submissions from 2 submitters: Uncertain significance (2). Last evaluated 2026-01-23.

Conditions:
Primary dilated cardiomyopathy (DCM). Also called: Dilated Cardiomyopathy. Identifiers: Orphanet 217604, MedGen C0007193, MeSH D002311, MONDO:0005021, HP:0001644. Inheritance: Various modes of inheritance.

Allele frequency attached by ClinVar (database versions not stated): gnomAD exomes below 0.00001.
gnomAD v4.1: 4 of 1,610,938 alleles (0.00025%); highest among the groups gnomAD compares: South Asian, 0.0033%; no homozygotes.

Submissions (2):

Labcorp Genetics (formerly Invitae), Labcorp
Classification: Uncertain significance. Last evaluated: 2026-01-23. Review status: criteria provided, single submitter. Criteria: Invitae Variant Classification Sherloc (09022015). Collection method: clinical testing. Allele origin: germline.
Comment: This sequence change replaces glycine, which is neutral and non-polar, with arginine, which is basic and polar, at codon 335 of the TBX20 protein (p.Gly335Arg). This variant also falls at the last nucleotide of exon 7, which is part of the consensus splice site for this exon. This variant is present in population databases (no rsID available, gnomAD 0.007%). This variant has not been reported in the literature in individuals affected with TBX20-related conditions. ClinVar contains an entry for this variant (Variation ID: 3068562). An algorithm developed to predict the effect of missense changes on protein structure and function (PolyPhen-2) suggests that this variant is likely to be tolerated. Variants that disrupt the consensus splice site are a relatively common cause of aberrant splicing (PMID: 17576681, 9536098). Algorithms developed to predict the effect of sequence changes on RNA splicing suggest that this variant may disrupt the consensus splice site. In summary, the available evidence is currently insufficient to determine the role of this variant in disease. Therefore, it has been classified as a Variant of Uncertain Significance.

Molecular Genetics, Royal Melbourne Hospital
Classification: Uncertain significance for Primary dilated cardiomyopathy. Last evaluated: 2023-08-01. Review status: criteria provided, single submitter. Criteria: ACMG Guidelines, 2015. Collection method: clinical testing. Allele origin: germline. Inheritance: Autosomal dominant inheritance. Affected: yes.
Comment: This sequence change in TBX20 is predicted to replace glycine with arginine at codon 335, p.(Gly335Arg). The glycine residue is highly conserved (100 vertebrates, UCSC), and is not located in an annotated domain. There is a large physicochemical difference between glycine and arginine. This variant also falls at the last nucleotide of exon 7 of the TBX20 coding sequence, which is part of the consensus splice site for this exon. This variant is absent from the population database gnomAD v3.1. The highest population minor allele frequency in the population database gnomAD v2.1 is 0.007% (2/30,388 alleles) in the South Asian population. To our knowledge, this variant has not been previously reported in the relevant scientific literature. Computational evidence predicts an impact on splicing (SpliceAI) for the nucleotide change and is uninformative for the missense substitution (REVEL = 0.34). Based on the classification scheme RMH Modified ACMG/AMP Guidelines v1.6.1, this variant is classified as a VARIANT OF UNCERTAIN SIGNIFICANCE. Following criteria are met: PP3.

Literature cited by the submitters: PubMed 17576681 (cited by Labcorp Genetics (formerly Invitae), Labcorp); PubMed 9536098 (cited by Labcorp Genetics (formerly Invitae), Labcorp).